The following is an entry in ClinVar:

NM_000130.5(F5):c.5403del (p.Lys1801fs)

Gene: F5 (coagulation factor V; minus strand). Cytogenetic location: 1q24.2.
Variant type: Deletion.
Coding change: c.5403del on transcript NM_000130.5 (MANE Select); coding-DNA position 5403, one base deleted (A; older notation c.5403delA).
Protein change: p.Lys1801fs; shifts the reading frame from lysine 1801.
Molecular consequence: frameshift variant.
Genome position (GRCh38, 1-based): chr1:169,529,624, T deleted on the plus strand (A on the coding strand, the reverse complement: F5 is on the minus strand); the first of 6 consecutive T bases (chr1:169,529,624-169,529,629); deleting any one gives the same sequence. VCF-style (leftmost placement, unchanged base first): chr1-169529623-AT-A. GRCh37 (hg19) VCF-style: chr1-169498861-AT-A.
Other names: short protein forms K1801fs.
Identifiers: ClinVar variation 1703833 (VCV001703833.2), dbSNP rs757917115, ClinGen allele CA2580061362.

ClinVar aggregate classification (germline): Pathogenic (1 of 4 stars; one submission).

Conditions:
Factor V deficiency. Also called: Reduced coagulation factor V activity. Identifiers: Orphanet 326, MedGen C4317320, MONDO:0020586, HP:0003225.

Submission:

ISTH-SSC Genomics in Thrombosis and Hemostasis, KU Leuven, Center for Molecular and Vascular Biology
Classification: Pathogenic for Congenital factor V deficiency. Review status: criteria provided, single submitter. Criteria: ACMG Guidelines, 2015. Collection method: clinical testing. Allele origin: germline. Affected: yes. Observed: 1 compound heterozygote.
Comment: Submitted to GoldVariant by Sung-Hyun Kim and Namhee Kim, Dong-A University College of Medicine